The following is an entry in ClinVar:

ClinVar aggregate classification (germline): Uncertain significance (1 of 4 stars; one submission).

Conditions:
Congenital muscular hypertrophy-cerebral syndrome (CDLS2). Also called: SMC1A-Related Cornelia de Lange Syndrome; Cornelia de Lange syndrome 2. Identifiers: Orphanet 199, MedGen C1802395, MONDO:0010370, OMIM 300590.

Submission:

Labcorp Genetics (formerly Invitae), Labcorp
Classification: Uncertain significance for Congenital muscular hypertrophy-cerebral syndrome. Last evaluated: 2023-05-13. Review status: criteria provided, single submitter. Criteria: Invitae Variant Classification Sherloc (09022015). Collection method: clinical testing. Allele origin: germline.
Comment: In summary, the available evidence is currently insufficient to determine the role of this variant in disease. Therefore, it has been classified as a Variant of Uncertain Significance. This sequence change replaces aspartic acid, which is acidic and polar, with glycine, which is neutral and non-polar, at codon 833 of the SMC1A protein (p.Asp833Gly). This variant is not present in population databases (gnomAD no frequency). This variant has not been reported in the literature in individuals affected with SMC1A-related conditions. Advanced modeling of protein sequence and biophysical properties (such as structural, functional, and spatial information, amino acid conservation, physicochemical variation, residue mobility, and thermodynamic stability) performed at Invitae indicates that this missense variant is not expected to disrupt SMC1A protein function. Algorithms developed to predict the effect of sequence changes on RNA splicing suggest that this variant may disrupt the consensus splice site.

NM_006306.4(SMC1A):c.2498A>G (p.Asp833Gly)

Gene: SMC1A (structural maintenance of chromosomes 1A; minus strand). Cytogenetic location: Xp11.22.
Variant type: single nucleotide variant.
Coding change: c.2498A>G on transcript NM_006306.4 (MANE Select); coding-DNA position 2498, A replaced by G.
Protein change: p.Asp833Gly; replaces aspartic acid 833 with glycine.
Molecular consequence: missense variant.
Genome position (GRCh38, 1-based): chrX:53,399,653, T>C on the plus strand (A>G on the coding strand, the complement: SMC1A is on the minus strand). VCF-style: chrX-53399653-T-C. GRCh37 (hg19) VCF-style: chrX-53426575-T-C.
Other names: c.2432A>G, p.Asp811Gly (NM_001281463.1); short protein forms D833G, D811G.
Identifiers: ClinVar variation 2863819 (VCV002863819.3), dbSNP rs2520904717, ClinGen allele CA413250414.
Genomic context (GRCh38, chrX:53,399,653, plus strand): 5'-TTGAGCTTTTCTATCTCATTTTCATCTTTTTTCACTGTCTGCTCCCACATGTGTACTTTA[T>C]CTTGGTCCTCCTTCAGTTGGTTCTTTTCAAAATCCAACTGAATGCCCAAGCGAGTCTTCT-3'
Protein context (NP_006297.2, residues 823-843): FEKNQLKEDQ[Asp833Gly]KVHMWEQTVK